The following is an entry in ClinVar:

ClinVar aggregate classification (germline): Pathogenic. Review status: criteria provided, multiple submitters, no conflicts (2 of 4 stars). 2 submissions from 2 submitters: Pathogenic (2). Last evaluated 2024-04-29.

Conditions:
Hereditary cancer-predisposing syndrome. Also called: Hereditary Cancer Syndrome; Hereditary neoplastic syndrome; Tumor predisposition; Neoplastic Syndromes, Hereditary. Identifiers: Orphanet 140162, MedGen C0027672, MeSH D009386, MONDO:0015356.
Multiple endocrine neoplasia, type 1 (MEN1). Also called: MEN I; WERMER SYNDROME; Endocrine adenomatosis multiple; MEN 1; MEA I. Identifiers: Orphanet 652, MedGen C0025267, MeSH D018761, MONDO:0007540, OMIM 131100.

Submissions (2):

Labcorp Genetics (formerly Invitae), Labcorp
Classification: Pathogenic for Multiple endocrine neoplasia, type 1. Last evaluated: 2024-04-29. Review status: criteria provided, single submitter. Criteria: Invitae Variant Classification Sherloc (09022015). Collection method: clinical testing. Allele origin: germline.
Comment: This sequence change creates a premature translational stop signal (p.Pro188Glnfs*7) in the MEN1 gene. It is expected to result in an absent or disrupted protein product. Loss-of-function variants in MEN1 are known to be pathogenic (PMID: 12112656, 17853334). This variant is not present in population databases (gnomAD no frequency). This premature translational stop signal has been observed in individual(s) with multiple endocrine neoplasia type 1 (PMID: 15714081, 28238068). This variant is also known as codon 188 CCC>C and c.563_564delGG, p.P188fs. ClinVar contains an entry for this variant (Variation ID: 457327). Algorithms developed to predict the effect of sequence changes on RNA splicing suggest that this variant may disrupt the consensus splice site. For these reasons, this variant has been classified as Pathogenic.

Ambry Genetics
Classification: Pathogenic for Hereditary cancer-predisposing syndrome. Last evaluated: 2022-02-11. Review status: criteria provided, single submitter. Criteria: Ambry Variant Classification Scheme 2023. Collection method: clinical testing. Allele origin: germline.
Comment: The c.563_564delCC pathogenic mutation, located in coding exon 2 of the MEN1 gene, results from a deletion of two nucleotides at nucleotide positions 563 to 564, causing a translational frameshift with a predicted alternate stop codon (p.P188Qfs*7). This variant has been observed in at least one individual with a personal and/or family history that is consistent with MEN1-related disease (Ambry internal data). This alteration was identified in a patient with a personal and family history of multiple endocrine neoplasia type 1 (Cuevas-Ocampo AK et al. Acta Neuropathol, 2017 04;133:661-663). This variant is considered to be rare based on population cohorts in the Genome Aggregation Database (gnomAD). In addition to the clinical data presented in the literature, this alteration is expected to result in loss of function by premature protein truncation or nonsense-mediated mRNA decay. As such, this alteration is interpreted as a disease-causing mutation.

Literature cited by the submitters: PubMed 12112656 (cited by Labcorp Genetics (formerly Invitae), Labcorp); PubMed 17853334 (cited by Labcorp Genetics (formerly Invitae), Labcorp); PubMed 15714081 (cited by Labcorp Genetics (formerly Invitae), Labcorp); PubMed 28238068 (cited by Labcorp Genetics (formerly Invitae), Labcorp and Ambry Genetics).

NM_001370259.2(MEN1):c.563_564del (p.Pro188fs)

Gene: MEN1 (menin 1; minus strand). Cytogenetic location: 11q13.1.
Variant type: Deletion.
Coding change: c.563_564del on transcript NM_001370259.2 (MANE Select); coding-DNA positions 563 to 564, 2 bases deleted (CC; older notation c.563_564delCC).
Protein change: p.Pro188fs; shifts the reading frame from proline 188.
Molecular consequence: frameshift variant. On other transcripts: intron variant (2).
Genome position (GRCh38, 1-based): chr11:64,807,981-64,807,982, GG deleted on the plus strand (CC on the coding strand, the reverse complement: MEN1 is on the minus strand); deleting any 2 consecutive bases within chr11:64,807,981-64,807,983 gives the same sequence; the c. name uses the placement nearest the transcript's 3' end. VCF-style (leftmost placement, unchanged base first): chr11-64807980-TGG-T. GRCh37 (hg19) VCF-style: chr11-64575452-TGG-T.
Other names: c.563_564delCC (NM_130799.2); c.578_579del, p.Pro193fs (NM_000244.4, NM_130800.3, NM_130801.3 and 3 more transcripts); c.563_564del, p.Pro188fs (NM_001370251.2, NM_001370260.2, NM_001370261.2 and 1 more transcripts); c.549+14_549+15del (NM_001370263.2, NM_001370262.2); short protein forms P188fs, P193fs.
Identifiers: ClinVar variation 457327 (VCV000457327.12), dbSNP rs1555165756, ClinGen allele CA658658066.
Genomic context (GRCh38, chr11:64,807,980, plus strand): 5'-GGCCCCTGCGGTCCTCGTTGCCCTTGCCGTGCCAGGTGACCTCAGCTGTCTGCTCCCCAT[TGG>T]GCCCAAACACTACCCAGGCATGATCCTCAGACAGGGCGAGGTGGACATCCCGGAGACCCA-3'